The following is an entry in ClinVar:

ClinVar aggregate classification (germline): Uncertain significance (1 of 4 stars; one submission).

Submission:

GeneDx
Classification: Uncertain significance. Last evaluated: 2025-04-16. Review status: criteria provided, single submitter. Criteria: GeneDx Variant Classification Process June 2021. Collection method: clinical testing. Allele origin: germline. Affected: yes.
Comment: Identified in a patient with unilateral retinoblastoma in published literature (PMID: 15605413); Not observed at significant frequency in large population cohorts (gnomAD); In silico analysis indicates that this missense variant does not alter protein structure/function; This variant is associated with the following publications: (PMID: 23516486, Day alan_2006_Review, 15605413)

NM_000321.3(RB1):c.2272T>C (p.Ser758Pro)

Gene: RB1 (RB transcriptional corepressor 1; plus strand). Cytogenetic location: 13q14.2.
Variant type: single nucleotide variant.
Coding change: c.2272T>C on transcript NM_000321.3 (MANE Select); coding-DNA position 2272, T replaced by C.
Protein change: p.Ser758Pro; replaces serine 758 with proline.
Molecular consequence: missense variant.
Genome position (GRCh38, 1-based): chr13:48,465,058, T>C. VCF-style: chr13-48465058-T-C. GRCh37 (hg19) VCF-style: chr13-49039194-T-C.
Other names: c.2272T>C, p.Ser758Pro (NM_001407165.1); short protein forms S758P.
Identifiers: ClinVar variation 4282069 (VCV004282069.1).
Genomic context (GRCh38, chr13:48,465,058, plus strand): 5'-ACATTCAAACGTGTTTTGATCAAAGAAGAGGAGTATGATTCTATTATAGTATTCTATAAC[T>C]CGGTCTTCATGCAGAGACTGAAAACAAATATTTTGCAGTATGCTTCCACCAGGGTAGGTC-3'
Protein context (NP_000312.2, residues 748-768): EYDSIIVFYN[Ser758Pro]VFMQRLKTNI